The following is an entry in ClinVar:

NM_014140.4(SMARCAL1):c.2810A>G (p.Lys937Arg)

Gene: SMARCAL1 (SNF2 related chromatin remodeling annealing helicase 1; plus strand). Cytogenetic location: 2q35.
Variant type: single nucleotide variant.
Coding change: c.2810A>G on transcript NM_014140.4 (MANE Select); coding-DNA position 2810, A replaced by G.
Protein change: p.Lys937Arg; replaces lysine 937 with arginine.
Molecular consequence: missense variant.
Genome position (GRCh38, 1-based): chr2:216,482,922, A>G. VCF-style: chr2-216482922-A-G. GRCh37 (hg19) VCF-style: chr2-217347645-A-G.
Other names: c.2810A>G (NM_014140.3); c.2810A>G, p.Lys937Arg (NM_001127207.2); short protein forms K937R.
Identifiers: ClinVar variation 1511087 (VCV001511087.6), dbSNP rs375276319, ClinGen allele CA65623103.

ClinVar aggregate classification (germline): Uncertain significance. Review status: criteria provided, multiple submitters, no conflicts (2 of 4 stars). 2 submissions from 2 submitters: Uncertain significance (2). Last evaluated 2025-08-22.

Conditions:
Inborn genetic diseases. Identifiers: MedGen C0950123, MeSH D030342.
Schimke immuno-osseous dysplasia (SIOD). Also called: Schimke Immunoosseous Dysplasia. Identifiers: Orphanet 1830, MedGen C0877024, MONDO:0009458, OMIM 242900.

Allele frequency attached by ClinVar (database versions not stated): gnomAD exomes below 0.00001; TOPMed below 0.00001; gnomAD 0.00001.
gnomAD v4.1: 6 of 1,614,140 alleles (0.00037%); highest among the groups gnomAD compares: South Asian, 0.0055%; no homozygotes.

Submissions (2):

Ambry Genetics
Classification: Uncertain significance for Inborn genetic diseases. Last evaluated: 2025-08-22. Review status: criteria provided, single submitter. Criteria: Ambry Variant Classification Scheme 2023. Collection method: clinical testing. Allele origin: germline.

Labcorp Genetics (formerly Invitae), Labcorp
Classification: Uncertain significance for Schimke immuno-osseous dysplasia. Last evaluated: 2021-09-24. Review status: criteria provided, single submitter. Criteria: Invitae Variant Classification Sherloc (09022015). Collection method: clinical testing. Allele origin: germline.
Comment: This sequence change replaces lysine with arginine at codon 937 of the SMARCAL1 protein (p.Lys937Arg). The lysine residue is moderately conserved and there is a small physicochemical difference between lysine and arginine. This variant is not present in population databases (ExAC no frequency). This variant has not been reported in the literature in individuals with SMARCAL1-related conditions. Algorithms developed to predict the effect of missense changes on protein structure and function (SIFT, PolyPhen-2, Align-GVGD) all suggest that this variant is likely to be tolerated, but these predictions have not been confirmed by published functional studies and their clinical significance is uncertain. In summary, the available evidence is currently insufficient to determine the role of this variant in disease. Therefore, it has been classified as a Variant of Uncertain Significance.